The following is an entry in ClinVar:

ClinVar aggregate classification (germline): Likely benign. Review status: criteria provided, multiple submitters, no conflicts (2 of 4 stars). 3 submissions from 3 submitters: Likely benign (3). Last evaluated 2022-06-01.

Conditions:
Parkinson Disease, Dominant/Recessive.

Allele frequency attached by ClinVar (database versions not stated): 1000 Genomes Project 0.00080; gnomAD 0.00097 and 0.00098; TOPMed 0.00101; gnomAD exomes 0.00121 and 0.00073; ExAC 0.00059; ESP Exome Variant Server 0.00062; 1000 Genomes Project 30x 0.00078.
gnomAD v4.1: 1,909 of 1,613,520 alleles (0.12%); highest among the groups gnomAD compares: Middle Eastern, 0.36%; 1 homozygote.

Submissions (3):

CeGaT Center for Human Genetics Tuebingen
Classification: Likely benign. Last evaluated: 2022-06-01. Review status: criteria provided, single submitter. Criteria: CeGaT Center For Human Genetics Tuebingen Variant Classification Criteria Version 2. Collection method: clinical testing. Allele origin: germline. Affected: yes. Observed: 1 variant allele.
Comment: SNCAIP: BP4, BP7

Labcorp Genetics (formerly Invitae), Labcorp
Classification: Likely benign. Last evaluated: 2019-12-31. Review status: criteria provided, single submitter. Criteria: Invitae Variant Classification Sherloc (09022015). Collection method: clinical testing. Allele origin: germline.

Illumina Laboratory Services, Illumina
Classification: Likely benign for Parkinson Disease, Dominant/Recessive. Last evaluated: 2018-01-13. Review status: criteria provided, single submitter. Criteria: ICSL Variant Classification Criteria 13 December 2019. Collection method: clinical testing. Allele origin: germline.
Comment: This variant was observed in the ICSL laboratory as part of a predisposition screen in an ostensibly healthy population. It had not been previously curated by ICSL or reported in the Human Gene Mutation Database (HGMD: prior to June 1st, 2018), and was therefore a candidate for classification through an automated scoring system. Utilizing variant allele frequency, disease prevalence and penetrance estimates, and inheritance mode, an automated score was calculated to assess if this variant is too frequent to cause the disease. Based on the score and internal cut-off values, a variant classified as likely benign is not then subjected to further curation. The score for this variant resulted in a classification of likely benign for this disease.

NM_005460.4(SNCAIP):c.111G>A (p.Thr37=)

Gene: SNCAIP (synuclein alpha interacting protein; plus strand). Cytogenetic location: 5q23.2.
Variant type: single nucleotide variant.
Coding change: c.111G>A on transcript NM_005460.4 (MANE Select); coding-DNA position 111, G replaced by A.
Protein change: p.Thr37=; no amino-acid change (threonine 37 retained).
Molecular consequence: synonymous variant. On other transcripts: missense variant (5), non-coding transcript variant (2).
Genome position (GRCh38, 1-based): chr5:122,403,846, G>A. VCF-style: chr5-122403846-G-A. GRCh37 (hg19) VCF-style: chr5-121739541-G-A.
Other names: c.65G>A, p.Arg22His (NM_001242935.3, NM_001308107.2, NM_001308108.1 and 1 more transcripts); c.252G>A, p.Thr84= (NM_001308100.2); c.111G>A, p.Thr37= (NM_001308105.1); c.59G>A, p.Arg20His (NM_001308106.1); short protein forms R22H, R20H.
Identifiers: ClinVar variation 784627 (VCV000784627.32), dbSNP rs10070158, ClinGen allele CA3384563.